The following is an entry in ClinVar:

ClinVar aggregate classification (germline): Uncertain significance (1 of 4 stars; one submission).

Submission:

CeGaT Center for Human Genetics Tuebingen
Classification: Uncertain significance. Last evaluated: 2026-08-01. Review status: criteria provided, single submitter. Criteria: CeGaT Center For Human Genetics Tuebingen Variant Classification Criteria Version 2. Collection method: clinical testing. Allele origin: germline. Affected: yes. Observed: 1 variant allele.
Comment: SRCAP: PM2

NM_006662.3(SRCAP):c.4798C>T (p.Pro1600Ser)

Gene: SRCAP (Snf2 related CREBBP activator protein; plus strand). Cytogenetic location: 16p11.2.
Variant type: single nucleotide variant.
Coding change: c.4798C>T on transcript NM_006662.3 (MANE Select); coding-DNA position 4798, C replaced by T.
Protein change: p.Pro1600Ser; replaces proline 1600 with serine.
Molecular consequence: missense variant.
Genome position (GRCh38, 1-based): chr16:30,724,222, C>T. VCF-style: chr16-30724222-C-T. GRCh37 (hg19) VCF-style: chr16-30735543-C-T.
Other names: short protein forms P1600S.
Identifiers: ClinVar variation 5040459 (VCV005040459.1).